The following is an entry in ClinVar:

ClinVar aggregate classification (germline): Uncertain significance (1 of 4 stars; one submission).

Allele frequency attached by ClinVar (database versions not stated): ExAC 0.00001; gnomAD 0.00001; gnomAD exomes 0.00001 and 0.00002; TOPMed 0.00001.
gnomAD v4.1: 6 of 1,613,764 alleles (0.00037%); highest among the groups gnomAD compares: Admixed American, 0.01%; no homozygotes.

Submission:

GeneDx
Classification: Uncertain significance. Review status: criteria provided, single submitter. Criteria: GeneDx Variant Classification (06012015). Collection method: clinical testing. Allele origin: germline. Affected: yes.
Comment: Missense variants in the TTN gene are considered 'unclassified' if they are not previously reported in the literature and do not have >1% frequency in the population to be considered a polymorphism. Research indicates that truncating mutations in the TTN gene are expected to account for approximately 25% of familial and 18% of sporadic idiopathic DCM; however, truncating variants in the TTN gene have been reported in approximately 3% of reported control alleles. There has been little investigation into non-truncating variants. (Herman D et al. Truncations of titin causing dilated cardiomyopathy. N Eng J Med 366:619-628, 2012) The variant is found in DCM panel(s).

NM_001267550.2(TTN):c.4612A>G (p.Arg1538Gly)

Genes: TTN (titin; minus strand), LOC101927055 (uncharacterized LOC101927055; plus strand). Cytogenetic location: 2q31.2.
Variant type: single nucleotide variant.
Coding change: c.4612A>G on transcript NM_001267550.2 (MANE Select); coding-DNA position 4612, A replaced by G.
Protein change: p.Arg1538Gly; replaces arginine 1538 with glycine.
Molecular consequence: missense variant. On other transcripts: non-coding transcript variant (1).
Genome position (GRCh38, 1-based): chr2:178,777,453, T>C on the plus strand (A>G on the coding strand, the complement: TTN is on the minus strand). VCF-style: chr2-178777453-T-C. GRCh37 (hg19) VCF-style: chr2-179642180-T-C.
Other names: p.R1538G:AGA>GGA; c.4612A>G, p.Arg1538Gly (NM_001256850.1, NM_133378.4, NM_133379.5); c.4474A>G, p.Arg1492Gly (NM_003319.4, NM_133432.3, NM_133437.4); short protein forms R1538G, R1492G.
Identifiers: ClinVar variation 203132 (VCV000203132.2), dbSNP rs766463184, ClinGen allele CA311364.